The following is an entry in ClinVar:

ClinVar aggregate classification (germline): Uncertain significance (1 of 4 stars; one submission).

Conditions:
Brugada syndrome 8 (BRGDA8). Identifiers: Orphanet 130, MedGen C2751083, MONDO:0013148, OMIM 613123.

Submission:

Labcorp Genetics (formerly Invitae), Labcorp
Classification: Uncertain significance for Brugada syndrome 8. Last evaluated: 2021-12-27. Review status: criteria provided, single submitter. Criteria: Invitae Variant Classification Sherloc (09022015). Collection method: clinical testing. Allele origin: germline.
Comment: In summary, the available evidence is currently insufficient to determine the role of this variant in disease. Therefore, it has been classified as a Variant of Uncertain Significance. Advanced modeling of protein sequence and biophysical properties (such as structural, functional, and spatial information, amino acid conservation, physicochemical variation, residue mobility, and thermodynamic stability) performed at Invitae indicates that this missense variant is not expected to disrupt HCN4 protein function. This variant has not been reported in the literature in individuals affected with HCN4-related conditions. This variant is not present in population databases (gnomAD no frequency). This sequence change replaces proline, which is neutral and non-polar, with leucine, which is neutral and non-polar, at codon 56 of the HCN4 protein (p.Pro56Leu).

NM_005477.3(HCN4):c.167C>T (p.Pro56Leu)

Gene: HCN4 (hyperpolarization activated cyclic nucleotide gated potassium channel 4; minus strand). Cytogenetic location: 15q24.1.
Variant type: single nucleotide variant.
Coding change: c.167C>T on transcript NM_005477.3 (MANE Select); coding-DNA position 167, C replaced by T.
Protein change: p.Pro56Leu; replaces proline 56 with leucine.
Molecular consequence: missense variant.
Genome position (GRCh38, 1-based): chr15:73,368,104, G>A on the plus strand (C>T on the coding strand, the complement: HCN4 is on the minus strand). VCF-style: chr15-73368104-G-A. GRCh37 (hg19) VCF-style: chr15-73660445-G-A.
Other names: short protein forms P56L.
Identifiers: ClinVar variation 2162189 (VCV002162189.4), dbSNP rs2549080630, ClinGen allele CA393098823.